The following is an entry in ClinVar:

NM_015278.5(SASH1):c.900G>C (p.Leu300=)

Gene: SASH1 (SAM and SH3 domain containing 1; plus strand). Cytogenetic location: 6q25.1.
Variant type: single nucleotide variant.
Coding change: c.900G>C on transcript NM_015278.5 (MANE Select); coding-DNA position 900, G replaced by C.
Protein change: p.Leu300=; no amino-acid change (leucine 300 retained).
Molecular consequence: synonymous variant.
Genome position (GRCh38, 1-based): chr6:148,519,584, G>C. VCF-style: chr6-148519584-G-C. GRCh37 (hg19) VCF-style: chr6-148840720-G-C.
Other names: c.765G>C, p.Leu255= (NM_001346505.2); c.528G>C, p.Leu176= (NM_001346506.2); c.183G>C, p.Leu61= (NM_001346507.2, NM_001346508.2); c.60G>C, p.Leu20= (NM_001346509.2).
Identifiers: ClinVar variation 721935 (VCV000721935.28), dbSNP rs201440091, ClinGen allele CA4040174.
Genomic context (GRCh38, chr6:148,519,584, plus strand): 5'-AGACTCTGTTGGTTTCCCTCCAGGTGGGGAGGAGCACGTGTTTGAGAATTCGCCGGTCCT[G>C]GATGAACGGTCCGCCCTCTACTCTGGCGTGCACAAGAAGCCCCTTTTCTTTGATGGCTCT-3'
Protein context (NP_056093.3, residues 290-310): EEHVFENSPV[Leu300=]DERSALYSGV

ClinVar aggregate classification (germline): Likely benign. Review status: criteria provided, multiple submitters, no conflicts (2 of 4 stars). 2 submissions from 2 submitters: Likely benign (2). Last evaluated 2023-01-01.

Allele frequency attached by ClinVar (database versions not stated): ESP Exome Variant Server 0.00008; gnomAD 0.00010; TOPMed 0.00010; gnomAD exomes 0.00011 and 0.00013; ExAC 0.00013.
gnomAD v4.1: 209 of 1,614,052 alleles (0.013%); highest among the groups gnomAD compares: Non-Finnish European, 0.017%; no homozygotes.

Submissions (2):

CeGaT Center for Human Genetics Tuebingen
Classification: Likely benign. Last evaluated: 2023-01-01. Review status: criteria provided, single submitter. Criteria: CeGaT Center For Human Genetics Tuebingen Variant Classification Criteria Version 2. Collection method: clinical testing. Allele origin: germline. Affected: yes. Observed: 2 variant alleles.
Comment: SASH1: BP4, BP7

Labcorp Genetics (formerly Invitae), Labcorp
Classification: Likely benign. Last evaluated: 2019-12-31. Review status: criteria provided, single submitter. Criteria: Invitae Variant Classification Sherloc (09022015). Collection method: clinical testing. Allele origin: germline.